The following is an entry in ClinVar:

ClinVar aggregate classification (germline): Uncertain significance (1 of 4 stars; one submission).

Conditions:
Developmental and epileptic encephalopathy, 42 (DEE42A). Also called: DEVELOPMENTAL AND EPILEPTIC ENCEPHALOPATHY 42A; EPILEPTIC ENCEPHALOPATHY, EARLY INFANTILE, 42A; Epileptic encephalopathy, early infantile, 42. Identifiers: MedGen C4310716, MONDO:0014917, OMIM 617106.
Episodic ataxia type 2 (EA2). Also called: ACETAZOLAMIDE-RESPONSIVE HEREDITARY PAROXYSMAL CEREBELLAR ATAXIA; ATAXIA, EPISODIC, WITH NYSTAGMUS; ATAXIA, FAMILIAL PAROXYSMAL; CEREBELLAR ATAXIA, PAROXYSMAL, ACETAZOLAMIDE-RESPONSIVE; CEREBELLOPATHY, HEREDITARY PAROXYSMAL; EPISODIC ATAXIA, NYSTAGMUS-ASSOCIATED. Identifiers: Orphanet 97, MedGen C1720416, MONDO:0007163, OMIM 108500.

Submission:

Labcorp Genetics (formerly Invitae), Labcorp
Classification: Uncertain significance for Developmental and epileptic encephalopathy, 42; Episodic ataxia type 2. Last evaluated: 2024-01-28. Review status: criteria provided, single submitter. Criteria: Invitae Variant Classification Sherloc (09022015). Collection method: clinical testing. Allele origin: germline.
Comment: This sequence change replaces leucine, which is neutral and non-polar, with arginine, which is basic and polar, at codon 1671 of the CACNA1A protein (p.Leu1671Arg). This variant is not present in population databases (gnomAD no frequency). This variant has not been reported in the literature in individuals affected with CACNA1A-related conditions. Advanced modeling of protein sequence and biophysical properties (such as structural, functional, and spatial information, amino acid conservation, physicochemical variation, residue mobility, and thermodynamic stability) performed at Invitae indicates that this missense variant is expected to disrupt CACNA1A protein function with a positive predictive value of 95%. In summary, the available evidence is currently insufficient to determine the role of this variant in disease. Therefore, it has been classified as a Variant of Uncertain Significance.

NM_001127222.2(CACNA1A):c.5009T>G (p.Leu1670Arg)

Gene: CACNA1A (calcium voltage-gated channel subunit alpha1 A; minus strand). Cytogenetic location: 19p13.13.
Variant type: single nucleotide variant.
Coding change: c.5009T>G on transcript NM_001127222.2 (MANE Select); coding-DNA position 5009, T replaced by G.
Protein change: p.Leu1670Arg; replaces leucine 1670 with arginine.
Molecular consequence: missense variant.
Genome position (GRCh38, 1-based): chr19:13,235,672, A>C on the plus strand (T>G on the coding strand, the complement: CACNA1A is on the minus strand). VCF-style: chr19-13235672-A-C. GRCh37 (hg19) VCF-style: chr19-13346486-A-C.
Other names: c.5027T>G, p.Leu1676Arg (NM_000068.4, NM_023035.3); c.5012T>G, p.Leu1671Arg (NM_001127221.2); c.5018T>G, p.Leu1673Arg (NM_001174080.2); short protein forms L1670R, L1671R, L1676R, L1673R.
Identifiers: ClinVar variation 2922651 (VCV002922651.3), dbSNP rs2512649336, ClinGen allele CA404336816.
Genomic context (GRCh38, chr19:13,235,672, plus strand): 5'-ACCTTGAAGGACTGCACAAAGGTCCAGAGAAGAATGCGGATGGTGTAACCCTGACGGAGA[A>C]GTTTGATGAGCCGGGCAGCTCGGAAGAGGCGGAGAAAGCTCAGGTTGATGAAGTTATTCT-3'
Protein context (NP_001120694.1, residues 1660-1680): RLFRAARLIK[Leu1670Arg]LRQGYTIRIL